The following is an entry in ClinVar:

NM_024675.4(PALB2):c.2748+2dup

Gene: PALB2 (partner and localizer of BRCA2; minus strand). Cytogenetic location: 16p12.2.
Variant type: Duplication.
Coding change: c.2748+2dup on transcript NM_024675.4 (MANE Select); the canonical splice donor site of the intron after coding-DNA position 2748, one base duplicated (T; older notation c.2748+2dupT).
Molecular consequence: splice donor variant.
Genome position (GRCh38, 1-based): chr16:23,626,234, A duplicated on the plus strand (T on the coding strand, the reverse complement: PALB2 is on the minus strand). VCF-style (leftmost placement, unchanged base first): chr16-23626233-T-TA. GRCh37 (hg19) VCF-style: chr16-23637554-T-TA.
Other names: c.2748+2dupT (NM_024675.3, NM_024675.4).
Identifiers: ClinVar variation 647264 (VCV000647264.13), dbSNP rs1370694908, ClinGen allele CA621661862.

ClinVar aggregate classification (germline): Conflicting classifications of pathogenicity. Review status: criteria provided, conflicting classifications (1 of 4 stars). 4 submissions from 4 submitters: Likely pathogenic (2); Uncertain significance (2). Last evaluated 2025-07-17.

Conditions:
Hereditary cancer-predisposing syndrome. Also called: Hereditary Cancer Syndrome; Tumor predisposition; Hereditary neoplastic syndrome; Neoplastic Syndromes, Hereditary. Identifiers: Orphanet 140162, MedGen C0027672, MeSH D009386, MONDO:0015356.
Familial cancer of breast. Also called: hereditary breast carcinoma; Hereditary breast cancer; BREAST CANCER, FAMILIAL. Identifiers: Orphanet 227535, MedGen C0346153, MONDO:0016419, OMIM 114480. Disease mechanism: loss of function.

Allele frequency attached by ClinVar (database versions not stated): gnomAD exomes below 0.00001; TOPMed below 0.00001; gnomAD 0.00001.

Submissions (4):

Ambry Genetics
Classification: Likely pathogenic for Hereditary cancer-predisposing syndrome. Last evaluated: 2025-07-17. Review status: criteria provided, single submitter. Criteria: Ambry Variant Classification Scheme 2023. Collection method: clinical testing. Allele origin: germline.
Comment: The c.2748+2dupT intronic variant, results from a duplication of two nucleotides at nucleotide position 2748 after intron 7 of the PALB2 gene. This nucleotide position is highly conserved in available vertebrate species. In silico splice site analysis predicts that this alteration will weaken the native splice donor site. RNA studies have demonstrated that this alteration results in abnormal splicing in the set of samples tested (Ambry internal data). Based on the majority of available evidence to date, this variant is likely to be pathogenic.

Women's Health and Genetics/Laboratory Corporation of America, LabCorp
Classification: Uncertain significance. Last evaluated: 2025-07-14. Review status: criteria provided, single submitter. Criteria: LabCorp Variant Classification Summary - May 2015. Collection method: clinical testing. Allele origin: germline.
Comment: Variant summary: PALB2 c.2748+2dupT alters a conserved nucleotide located close to a canonical splice site and therefore could affect mRNA splicing, leading to a significantly altered protein sequence. Several computational tools predict a significant impact on normal splicing: Three predict the variant abolishes a 5' splicing donor site. One predict the variant weakens a 5' donor site. Two predict the variant strengthens a cryptic 3' acceptor site. At least one publication reports experimental evidence that this variant affects mRNA splicing, resulting in in-frame skipping of exon 7 (Valenzuela-Palomo_2022). The variant allele was found at a frequency of 4e-06 in 251470 control chromosomes. The available data on variant occurrences in the general population are insufficient to allow any conclusion about variant significance. c.2748+2dupT has been observed in individual(s) affected with Breast Cancer (Valenzuela-Palomo_2022. These report(s) do not provide unequivocal conclusions about association of the variant with Breast Cancer. The following publication has been ascertained in the context of this evaluation (PMID: 34846068). ClinVar contains an entry for this variant (Variation ID: 647264). Based on the evidence outlined above, the variant was classified as uncertain significance.

Quest Diagnostics Nichols Institute San Juan Capistrano
Classification: Likely pathogenic. Last evaluated: 2024-03-13. Review status: criteria provided, single submitter. Criteria: Quest Diagnostics criteria. Collection method: clinical testing. Allele origin: unknown.
Comment: The PALB2 c.2748+2dup variant has not been reported in individuals with PALB2-related conditions in the published literature. An experimental study using minigene analysis showed that this variant disrupts splicing and results in exon 7 skipping (PMID: 34846068 (2022)). The frequency of this variant in the general population, 0.000004 (1/251470 chromosomes (Genome Aggregation Database)), is consistent with pathogenicity. Based on the available information, this variant is classified as likely pathogenic.

Labcorp Genetics (formerly Invitae), Labcorp
Classification: Uncertain significance for Familial cancer of breast. Last evaluated: 2022-06-20. Review status: criteria provided, single submitter. Criteria: Invitae Variant Classification Sherloc (09022015). Collection method: clinical testing. Allele origin: germline.
Comment: This variant is present in population databases (no rsID available, gnomAD 0.0009%). This sequence change falls in intron 7 of the PALB2 gene. It does not directly change the encoded amino acid sequence of the PALB2 protein. It affects a nucleotide within the consensus splice site. This variant has not been reported in the literature in individuals affected with PALB2-related conditions. In summary, the available evidence is currently insufficient to determine the role of this variant in disease. Therefore, it has been classified as a Variant of Uncertain Significance. Variants that disrupt the consensus splice site are a relatively common cause of aberrant splicing (PMID: 17576681, 9536098). Algorithms developed to predict the effect of sequence changes on RNA splicing suggest that this variant may disrupt the consensus splice site. ClinVar contains an entry for this variant (Variation ID: 647264).

Literature cited by the submitters: PubMed 34846068 (cited by Women's Health and Genetics/Laboratory Corporation of America, LabCorp and Quest Diagnostics Nichols Institute San Juan Capistrano); PubMed 17576681 (cited by Labcorp Genetics (formerly Invitae), Labcorp); PubMed 9536098 (cited by Labcorp Genetics (formerly Invitae), Labcorp).